The following is an entry in ClinVar:

ClinVar aggregate classification (germline): Likely benign. Review status: criteria provided, multiple submitters, no conflicts (2 of 4 stars). 2 submissions from 2 submitters: Likely benign (2). Last evaluated 2025-12-22.

Conditions:
Hereditary diffuse gastric adenocarcinoma (HDGC). Also called: DIFFUSE GASTRIC AND LOBULAR BREAST CANCER SYNDROME. Identifiers: Orphanet 26106, MedGen C1708349, MONDO:0007648, OMIM 137215.

gnomAD v4.1: 4 of 1,611,572 alleles (0.00025%); highest among the groups gnomAD compares: African/African-American, 0.0013%; no homozygotes.

Submissions (2):

Labcorp Genetics (formerly Invitae), Labcorp
Classification: Likely benign. Last evaluated: 2025-12-22. Review status: criteria provided, single submitter. Criteria: Invitae Variant Classification Sherloc (09022015). Collection method: clinical testing. Allele origin: germline.

Myriad Genetics, Inc.
Classification: Likely benign for Hereditary diffuse gastric adenocarcinoma. Last evaluated: 2024-10-15. Review status: criteria provided, single submitter. Criteria: Myriad Autosomal Dominant, Autosomal Recessive and X-Linked Classification Criteria (2023). Collection method: clinical testing. Allele origin: unknown.
Comment: This variant is considered likely benign. This variant is intronic and is not expected to impact mRNA splicing.

NM_001903.5(CTNNA1):c.2434-7C>T

Gene: CTNNA1 (catenin alpha 1; plus strand). Cytogenetic location: 5q31.2.
Variant type: single nucleotide variant.
Coding change: c.2434-7C>T on transcript NM_001903.5 (MANE Select); 7 bases into the intron before coding-DNA position 2434, C replaced by T.
Molecular consequence: intron variant.
Genome position (GRCh38, 1-based): chr5:138,933,795, C>T. VCF-style: chr5-138933795-C-T. GRCh37 (hg19) VCF-style: chr5-138269484-C-T.
Other names: c.2434-7C>T (NM_001323982.2, NM_001323984.2, NM_001323983.1); c.2505-7C>T (NM_001290307.3); c.2434-34C>T (NM_001323985.2); c.2341-7C>T (NM_001323986.2); c.2065-7C>T (NM_001290310.3); c.2125-7C>T (NM_001290309.3); c.1324-7C>T (NM_001323996.1, NM_001323993.1, NM_001323998.1 and 12 more transcripts); c.1395-7C>T (NM_001324005.1, NM_001324003.1, NM_001324002.1 and 1 more transcripts); and 4 more.
Identifiers: ClinVar variation 1122902 (VCV001122902.10), dbSNP rs2150358172, ClinGen allele CA2499217673.